The following is an entry in ClinVar:

NM_003742.4(ABCB11):c.1003T>C (p.Leu335=)

Gene: ABCB11 (ATP binding cassette subfamily B member 11; minus strand). Cytogenetic location: 2q31.1.
Variant type: single nucleotide variant.
Coding change: c.1003T>C on transcript NM_003742.4 (MANE Select); coding-DNA position 1003, T replaced by C.
Protein change: p.Leu335=; no amino-acid change (leucine 335 retained).
Molecular consequence: synonymous variant.
Genome position (GRCh38, 1-based): chr2:168,986,190, A>G on the plus strand (T>C on the coding strand, the complement: ABCB11 is on the minus strand). VCF-style: chr2-168986190-A-G. GRCh37 (hg19) VCF-style: chr2-169842700-A-G.
Other names: c.1003T>C (NM_003742.2).
Identifiers: ClinVar variation 3002789 (VCV003002789.4), dbSNP rs954864510, ClinGen allele CA59893056.

ClinVar aggregate classification (germline): Likely benign. Review status: criteria provided, multiple submitters, no conflicts (2 of 4 stars). 2 submissions from 2 submitters: Likely benign (2). Last evaluated 2025-12-01.

Conditions:
ABCB11-related disorder. Also called: ABCB11-related condition.

Allele frequency attached by ClinVar (database versions not stated): gnomAD exomes below 0.00001; TOPMed 0.00001.
gnomAD v4.1: 3 of 1,613,370 alleles (0.00019%); highest among the groups gnomAD compares: African/African-American, 0.004%; no homozygotes.

Submissions (2):

PreventionGenetics, part of Exact Sciences
Classification: Likely benign for ABCB11-related condition. Last evaluated: 2025-12-01. Review status: criteria provided, single submitter. Criteria: ACMG Guidelines, 2015. Collection method: clinical testing. Allele origin: germline.
Comment: This variant is classified as likely benign based on ACMG/AMP sequence variant interpretation guidelines (Richards et al. 2015 PMID: 25741868, with internal and published modifications).

Labcorp Genetics (formerly Invitae), Labcorp
Classification: Likely benign. Last evaluated: 2023-10-04. Review status: criteria provided, single submitter. Criteria: Invitae Variant Classification Sherloc (09022015). Collection method: clinical testing. Allele origin: germline.